The following is an entry in ClinVar:

NM_020975.6(RET):c.868-15C>T

Gene: RET (ret proto-oncogene; plus strand). Cytogenetic location: 10q11.21.
Variant type: single nucleotide variant.
Coding change: c.868-15C>T on transcript NM_020975.6 (MANE Select); 15 bases into the intron before coding-DNA position 868, C replaced by T.
Molecular consequence: intron variant.
Genome position (GRCh38, 1-based): chr10:43,106,361, C>T. VCF-style: chr10-43106361-C-T. GRCh37 (hg19) VCF-style: chr10-43601809-C-T.
Other names: c.868-15C>T (NM_020630.7, NM_001406743.1, NM_001406744.1 and 4 more transcripts); c.867+1168C>T (NM_001406772.1, NM_001406769.1); c.626-2670C>T (NM_001406773.1, NM_001406771.1); c.625+3732C>T (NM_001406782.1, NM_001406780.1, NM_001406779.1 and 3 more transcripts); c.739-15C>T (NM_001406764.1, NM_001406762.1, NM_001406761.1 and 1 more transcripts); c.738+1168C>T (NM_001406774.1); c.496+3732C>T (NM_001406786.1, NM_001406783.1); c.580-15C>T (NM_001406770.1, NM_001406766.1, NM_001406767.1); and 5 more.
Identifiers: ClinVar variation 2197651 (VCV002197651.5), dbSNP rs2538401975, ClinGen allele CA2580081514.

ClinVar aggregate classification (germline): Likely benign. Review status: criteria provided, multiple submitters, no conflicts (2 of 4 stars). 2 submissions from 2 submitters: Likely benign (2). Last evaluated 2025-02-25.

Conditions:
Multiple endocrine neoplasia, type 2 (MEN2). Identifiers: Orphanet 653, MedGen C4048306, MONDO:0019003. Disease mechanism: gain of function.
Multiple endocrine neoplasia type 2A. Also called: Multiple Endocrine Neoplasia Type 2A (MEN2A); MULTIPLE ENDOCRINE NEOPLASIA, TYPE IIA; PTC SYNDROME; SIPPLE SYNDROME; MEN 2A; MEN-2A syndrome. Identifiers: Orphanet 247698, Orphanet 653, MedGen C0025268, MeSH D018813, MONDO:0008234, OMIM 171400.

Submissions (2):

Myriad Genetics, Inc.
Classification: Likely benign for Multiple endocrine neoplasia type 2A. Last evaluated: 2025-02-25. Review status: criteria provided, single submitter. Criteria: Myriad Autosomal Dominant, Autosomal Recessive and X-Linked Classification Criteria (2023). Collection method: clinical testing. Allele origin: unknown.
Comment: This variant is considered likely benign. This variant is intronic and is not expected to impact mRNA splicing.

Labcorp Genetics (formerly Invitae), Labcorp
Classification: Likely benign for Multiple endocrine neoplasia, type 2. Last evaluated: 2024-11-18. Review status: criteria provided, single submitter. Criteria: Invitae Variant Classification Sherloc (09022015). Collection method: clinical testing. Allele origin: germline.